The following is an entry in ClinVar:

NC_000002.11:g.(?_232234644)_(232234856_?)del

Gene: ARMC9 (armadillo repeat containing 9; plus strand). Cytogenetic location: 2q37.1.
Variant type: Deletion.
Identifiers: ClinVar variation 2424078 (VCV002424078.4).

ClinVar aggregate classification (germline): Uncertain significance (1 of 4 stars; one submission).

Submission:

Labcorp Genetics (formerly Invitae), Labcorp
Classification: Uncertain significance. Last evaluated: 2022-07-06. Review status: criteria provided, single submitter. Criteria: Invitae Variant Classification Sherloc (09022015). Collection method: clinical testing. Allele origin: germline.
Comment: In summary, the available evidence is currently insufficient to determine the role of this variant in disease. Therefore, it has been classified as a Variant of Uncertain Significance. Experimental studies and prediction algorithms are not available or were not evaluated, and the functional significance of this variant is currently unknown. This variant has not been reported in the literature in individuals affected with ARMC9-related conditions. This variant is a gross deletion of the genomic region encompassing exon(s) 23 of the ARMC9 gene. This is also known as a deletion of exon(s) 24 when the first non-coding exon is represented as exon 1. While this deletion is not anticipated to lead to nonsense mediated decay, it is expected to disrupt the C-terminus of the protein.